The following is an entry in ClinVar:

NM_000492.4(CFTR):c.1912C>T (p.Pro638Ser)

Gene: CFTR (CF transmembrane conductance regulator; plus strand). Cytogenetic location: 7q31.2.
Variant type: single nucleotide variant.
Coding change: c.1912C>T on transcript NM_000492.4 (MANE Select); coding-DNA position 1912, C replaced by T.
Protein change: p.Pro638Ser; replaces proline 638 with serine.
Molecular consequence: missense variant.
Genome position (GRCh38, 1-based): chr7:117,592,079, C>T. VCF-style: chr7-117592079-C-T. GRCh37 (hg19) VCF-style: chr7-117232133-C-T.
Other names: short protein forms P638S.
Identifiers: ClinVar variation 549995 (VCV000549995.13), dbSNP rs1368033715, ClinGen allele CA368978768.

ClinVar aggregate classification (germline): Uncertain significance. Review status: criteria provided, multiple submitters, no conflicts (2 of 4 stars). 5 submissions from 5 submitters: Uncertain significance (4). 1 of the submissions does not count toward it. Last evaluated 2025-10-01.

Conditions:
Cystic fibrosis (CF). Also called: MUCOVISCIDOSIS. Identifiers: Orphanet 586, MedGen C0010674, MONDO:0009061, OMIM 219700. Disease mechanism: loss of function.

Allele frequency attached by ClinVar (database versions not stated): gnomAD 0.00001; gnomAD exomes 0.00001 and below 0.00001; TOPMed below 0.00001.
gnomAD v4.1: 5 of 1,612,568 alleles (0.00031%); highest among the groups gnomAD compares: Non-Finnish European, 0.00042%; no homozygotes.

Submissions (5):

Women's Health and Genetics/Laboratory Corporation of America, LabCorp
Classification: Uncertain significance. Last evaluated: 2025-10-01. Review status: criteria provided, single submitter. Criteria: LabCorp Variant Classification Summary - May 2015. Collection method: clinical testing. Allele origin: germline.
Comment: Variant summary: CFTR c.1912C>T (p.Pro638Ser) results in a non-conservative amino acid change in the encoded protein sequence. Algorithms developed to predict the effect of missense changes on protein structure and function all suggest that this variant is likely to be disruptive. The variant allele was found at a frequency of 8e-06 in 250218 control chromosomes. The available data on variant occurrences in the general population are insufficient to allow any conclusion about variant significance. c.1912C>T has been reported in the literature in at least one individual identified by newborn screening who did not fulfill diagnostic criteria for Cystic Fibrosis (Wos_2015). These report(s) do not provide unequivocal conclusions about association of the variant with Cystic Fibrosis. To our knowledge, no experimental evidence demonstrating an impact on protein function has been reported. The following publication has been ascertained in the context of this evaluation (PMID: 26003067). ClinVar contains an entry for this variant (Variation ID: 549995). Based on the evidence outlined above, the variant was classified as uncertain significance.

Ambry Genetics
Classification: Uncertain significance for Cystic fibrosis. Last evaluated: 2024-02-28. Review status: criteria provided, single submitter. Criteria: Ambry Variant Classification Scheme 2023. Collection method: clinical testing. Allele origin: germline.
Comment: The p.P638S variant (also known as c.1912C>T), located in coding exon 14 of the CFTR gene, results from a C to T substitution at nucleotide position 1912. The proline at codon 638 is replaced by serine, an amino acid with similar properties. This amino acid position is highly conserved in available vertebrate species. In addition, this alteration is predicted to be deleterious by in silico analysis. Based on the available evidence, the clinical significance of this alteration remains unclear.

ARUP Laboratories, Molecular Genetics and Genomics, ARUP Laboratories
Classification: Uncertain significance. Last evaluated: 2023-02-23. Review status: criteria provided, single submitter. Criteria: ARUP Molecular Germline Variant Investigation Process 2024. Collection method: clinical testing. Allele origin: germline.
Comment: The CFTR c.1912C>T; p.Pro638Ser variant (rs1368033715) is reported in one individual with a positive newborn screen (Wos 2015). This variant is also reported in ClinVar (Variation ID: 549995). It is only found on two alleles in the Genome Aggregation Database, indicating it is not a common polymorphism. Computational analyses are uncertain whether this variant is neutral or deleterious (REVEL: 0.523). Due to limited information, the clinical significance of this variant is uncertain at this time. References: Wos H et al. Diagnostic problems in cystic fibrosis - specific characteristics of a group of infants and young children diagnosed positive through neonatal screening, in whom cystic fibrosis had not been diagnosed. Dev Period Med. 2015 Jan-Mar;19(1):25-31. PMID: 26003067.

Genome-Nilou Lab
Classification: Uncertain significance for Cystic fibrosis. Last evaluated: 2021-09-05. Review status: criteria provided, single submitter. Criteria: ACMG Guidelines, 2015. Collection method: clinical testing. Allele origin: germline. Affected: no.

Counsyl
Classification: Uncertain significance for Cystic fibrosis. Last evaluated: 2017-05-18. Review status: no assertion criteria provided. Collection method: clinical testing. Allele origin: unknown. Not counted in ClinVar's aggregate classification.

Literature cited by the submitters: PubMed 26003067 (cited by Women's Health and Genetics/Laboratory Corporation of America, LabCorp).